The following is an entry in ClinVar:

ClinVar aggregate classification (germline): Uncertain significance. Review status: criteria provided, multiple submitters, no conflicts (2 of 4 stars). 2 submissions from 2 submitters: Uncertain significance (2). Last evaluated 2025-03-03.

Conditions:
LAMA2-related muscular dystrophy (LAMA2-RD). Also called: Laminin alpha 2-related dystrophy. Identifiers: MedGen C5679788, MONDO:0100228.

Allele frequency attached by ClinVar (database versions not stated): gnomAD exomes below 0.00001; TOPMed below 0.00001.
gnomAD v4.1: 1 of 1,613,980 alleles (0.000062%); highest among the groups gnomAD compares: Non-Finnish European, 0.000085%; no homozygotes.

Submissions (2):

Revvity Omics, Revvity
Classification: Uncertain significance. Last evaluated: 2025-03-03. Review status: criteria provided, single submitter. Criteria: ACMG Guidelines, 2015. Collection method: clinical testing. Allele origin: germline.

Labcorp Genetics (formerly Invitae), Labcorp
Classification: Uncertain significance for LAMA2-related muscular dystrophy. Last evaluated: 2022-07-07. Review status: criteria provided, single submitter. Criteria: Invitae Variant Classification Sherloc (09022015). Collection method: clinical testing. Allele origin: germline.
Comment: This sequence change replaces proline, which is neutral and non-polar, with leucine, which is neutral and non-polar, at codon 184 of the LAMA2 protein (p.Pro184Leu). This variant is not present in population databases (gnomAD no frequency). This variant has not been reported in the literature in individuals affected with LAMA2-related conditions. Advanced modeling of protein sequence and biophysical properties (such as structural, functional, and spatial information, amino acid conservation, physicochemical variation, residue mobility, and thermodynamic stability) performed at Invitae indicates that this missense variant is not expected to disrupt LAMA2 protein function. In summary, the available evidence is currently insufficient to determine the role of this variant in disease. Therefore, it has been classified as a Variant of Uncertain Significance.

NM_000426.4(LAMA2):c.551C>T (p.Pro184Leu)

Gene: LAMA2 (laminin subunit alpha 2; plus strand). Cytogenetic location: 6q22.33.
Variant type: single nucleotide variant.
Coding change: c.551C>T on transcript NM_000426.4 (MANE Select); coding-DNA position 551, C replaced by T.
Protein change: p.Pro184Leu; replaces proline 184 with leucine.
Molecular consequence: missense variant.
Genome position (GRCh38, 1-based): chr6:129,098,327, C>T. VCF-style: chr6-129098327-C-T. GRCh37 (hg19) VCF-style: chr6-129419472-C-T.
Other names: c.551C>T, p.Pro184Leu (NM_001079823.2); short protein forms P184L.
Identifiers: ClinVar variation 2029824 (VCV002029824.2), dbSNP rs1054141161, ClinGen allele CA147280378.